The following is an entry in ClinVar:

ClinVar aggregate classification (germline): Uncertain significance (1 of 4 stars; one submission).

Allele frequency attached by ClinVar (database versions not stated): gnomAD exomes below 0.00001; TOPMed below 0.00001; gnomAD 0.00001.
gnomAD v4.1: 6 of 1,614,018 alleles (0.00037%); highest among the groups gnomAD compares: African/African-American, 0.0013%; no homozygotes.

Submission:

Labcorp Genetics (formerly Invitae), Labcorp
Classification: Uncertain significance. Last evaluated: 2024-02-19. Review status: criteria provided, single submitter. Criteria: Invitae Variant Classification Sherloc (09022015). Collection method: clinical testing. Allele origin: germline.
Comment: This sequence change replaces arginine, which is basic and polar, with lysine, which is basic and polar, at codon 30 of the MCM4 protein (p.Arg30Lys). This variant is present in population databases (no rsID available, gnomAD 0.0009%). This variant has not been reported in the literature in individuals affected with MCM4-related conditions. ClinVar contains an entry for this variant (Variation ID: 1056229). Algorithms developed to predict the effect of missense changes on protein structure and function output the following: SIFT: "Not Available"; PolyPhen-2: "Benign"; Align-GVGD: "Not Available". The lysine amino acid residue is found in multiple mammalian species, which suggests that this missense change does not adversely affect protein function. In summary, the available evidence is currently insufficient to determine the role of this variant in disease. Therefore, it has been classified as a Variant of Uncertain Significance.

NM_182746.3(MCM4):c.89G>A (p.Arg30Lys)

Gene: MCM4 (minichromosome maintenance complex component 4; plus strand). Cytogenetic location: 8q11.21.
Variant type: single nucleotide variant.
Coding change: c.89G>A on transcript NM_182746.3 (MANE Select); coding-DNA position 89, G replaced by A.
Protein change: p.Arg30Lys; replaces arginine 30 with lysine.
Molecular consequence: missense variant.
Genome position (GRCh38, 1-based): chr8:47,961,534, G>A. VCF-style: chr8-47961534-G-A. GRCh37 (hg19) VCF-style: chr8-48874094-G-A.
Other names: c.89G>A, p.Arg30Lys (NM_005914.4); short protein forms R30K.
Identifiers: ClinVar variation 1056229 (VCV001056229.8), dbSNP rs1356892224, ClinGen allele CA371144570.